The following is an entry in ClinVar:

ClinVar aggregate classification (germline): Conflicting classifications of pathogenicity. Review status: criteria provided, conflicting classifications (1 of 4 stars). 2 submissions from 2 submitters: Uncertain significance (1); Likely benign (1). Last evaluated 2024-12-15.

Allele frequency attached by ClinVar (database versions not stated): TOPMed 0.00005; gnomAD 0.00006; gnomAD exomes 0.00006; ExAC 0.00009; 1000 Genomes Project 30x 0.00016; 1000 Genomes Project 0.00040.
gnomAD v4.1: 98 of 1,592,876 alleles (0.0062%); highest among the groups gnomAD compares: African/African-American, 0.011%; no homozygotes.

Submissions (2):

Labcorp Genetics (formerly Invitae), Labcorp
Classification: Uncertain significance. Last evaluated: 2024-12-15. Review status: criteria provided, single submitter. Criteria: Invitae Variant Classification Sherloc (09022015). Collection method: clinical testing. Allele origin: germline.
Comment: This sequence change replaces glycine, which is neutral and non-polar, with serine, which is neutral and polar, at codon 413 of the TCF3 protein (p.Gly413Ser). This variant is present in population databases (rs551817262, gnomAD 0.02%). This variant has not been reported in the literature in individuals affected with TCF3-related conditions. ClinVar contains an entry for this variant (Variation ID: 2077479). Invitae Evidence Modeling of protein sequence and biophysical properties (such as structural, functional, and spatial information, amino acid conservation, physicochemical variation, residue mobility, and thermodynamic stability) indicates that this missense variant is not expected to disrupt TCF3 protein function with a negative predictive value of 80%. In summary, the available evidence is currently insufficient to determine the role of this variant in disease. Therefore, it has been classified as a Variant of Uncertain Significance.

Blueprint Genetics
Classification: Likely benign. Last evaluated: 2023-09-18. Review status: criteria provided, single submitter. Criteria: ACMG Guidelines, 2015. Collection method: clinical testing. Allele origin: germline.

NM_003200.5(TCF3):c.1237G>A (p.Gly413Ser)

Gene: TCF3 (transcription factor 3; minus strand). Cytogenetic location: 19p13.3.
Variant type: single nucleotide variant.
Coding change: c.1237G>A on transcript NM_003200.5 (MANE Select); coding-DNA position 1237, G replaced by A.
Protein change: p.Gly413Ser; replaces glycine 413 with serine.
Molecular consequence: missense variant.
Genome position (GRCh38, 1-based): chr19:1,619,405, C>T on the plus strand (G>A on the coding strand, the complement: TCF3 is on the minus strand). VCF-style: chr19-1619405-C-T. GRCh37 (hg19) VCF-style: chr19-1619404-C-T.
Other names: c.1237G>A, p.Gly413Ser (NM_001136139.4, NM_001351779.2); c.1234G>A, p.Gly412Ser (NM_001351778.2); short protein forms G413S, G412S.
Identifiers: ClinVar variation 2077479 (VCV002077479.4), dbSNP rs551817262, ClinGen allele CA9049967.
Genomic context (GRCh38, chr19:1,619,405, plus strand): 5'-TGGGGCCGGTGAAACCTGAGGCCAGCGCCCCGTGGCCAGGCAGCAGCGTGTGCATGTCGC[C>T]GGCTGTGCCCACGGCGTGGCTGCGGAGCACGTGGATGGCCTCGTCCAGGTGGTCTTCTAT-3'
Protein context (NP_003191.1, residues 403-423): VLRSHAVGTA[Gly413Ser]DMHTLLPGHG